The following is an entry in ClinVar:

ClinVar aggregate classification (germline): Uncertain significance. Review status: criteria provided, multiple submitters, no conflicts (2 of 4 stars). 2 submissions from 2 submitters: Uncertain significance (2). Last evaluated 2025-11-17.

gnomAD v4.1: 17 of 1,587,528 alleles (0.0011%); highest among the groups gnomAD compares: Admixed American, 0.03%; no homozygotes.

Submissions (2):

Labcorp Genetics (formerly Invitae), Labcorp
Classification: Uncertain significance. Last evaluated: 2025-11-17. Review status: criteria provided, single submitter. Criteria: Invitae Variant Classification Sherloc (09022015). Collection method: clinical testing. Allele origin: germline.
Comment: This sequence change replaces proline, which is neutral and non-polar, with arginine, which is basic and polar, at codon 422 of the ASB10 protein (p.Pro422Arg). This variant is present in population databases (rs566879250, gnomAD 0.06%), and has an allele count higher than expected for a pathogenic variant. This variant has not been reported in the literature in individuals affected with ASB10-related conditions. ClinVar contains an entry for this variant (Variation ID: 1905788). An algorithm developed to predict the effect of missense changes on protein structure and function (PolyPhen-2) suggests that this variant is likely to be disruptive. In summary, the available evidence is currently insufficient to determine the role of this variant in disease. Therefore, it has been classified as a Variant of Uncertain Significance.

Ambry Genetics
Classification: Uncertain significance. Last evaluated: 2025-01-24. Review status: criteria provided, single submitter. Criteria: Ambry Variant Classification Scheme 2023. Collection method: clinical testing. Allele origin: germline.

NM_001142459.2(ASB10):c.1265C>G (p.Pro422Arg)

Gene: ASB10 (ankyrin repeat and SOCS box containing 10; minus strand). Cytogenetic location: 7q36.1.
Variant type: single nucleotide variant.
Coding change: c.1265C>G on transcript NM_001142459.2 (MANE Select); coding-DNA position 1265, C replaced by G.
Protein change: p.Pro422Arg; replaces proline 422 with arginine.
Molecular consequence: missense variant.
Genome position (GRCh38, 1-based): chr7:151,176,251, G>C on the plus strand (C>G on the coding strand, the complement: ASB10 is on the minus strand). VCF-style: chr7-151176251-G-C. GRCh37 (hg19) VCF-style: chr7-150873338-G-C.
Other names: c.1151C>G, p.Pro384Arg (NM_001142460.1); c.1220C>G, p.Pro407Arg (NM_080871.4); short protein forms P407R, P422R, P384R.
Identifiers: ClinVar variation 1905788 (VCV001905788.7), dbSNP rs566879250, ClinGen allele CA4573634.